The following is an entry in ClinVar:

ClinVar aggregate classification (germline): Uncertain significance. Review status: criteria provided, multiple submitters, no conflicts (2 of 4 stars). 3 submissions from 3 submitters: Uncertain significance (3). Last evaluated 2024-12-01.

Conditions:
Inborn genetic diseases. Identifiers: MedGen C0950123, MeSH D030342.
Vici syndrome (VICIS). Identifiers: Orphanet 1493, MedGen C1855772, MONDO:0009452, OMIM 242840.

Allele frequency attached by ClinVar (database versions not stated): ExAC 0.00002; gnomAD 0.00003; TOPMed 0.00004; gnomAD exomes 0.00006.
gnomAD v4.1: 93 of 1,613,762 alleles (0.0058%); highest among the groups gnomAD compares: Non-Finnish European, 0.0077%; no homozygotes.

Submissions (3):

Ambry Genetics
Classification: Uncertain significance for Inborn genetic diseases. Last evaluated: 2024-12-01. Review status: criteria provided, single submitter. Criteria: Ambry Variant Classification Scheme 2023. Collection method: clinical testing. Allele origin: germline.

Daryl Scott Lab, Baylor College of Medicine
Classification: Uncertain significance for Vici syndrome. Last evaluated: 2024-01-01. Review status: criteria provided, single submitter. Criteria: ACMG Guidelines, 2015. Collection method: clinical testing. Allele origin: maternal. Observed: 1 heterozygote.
Comment: PM2

Labcorp Genetics (formerly Invitae), Labcorp
Classification: Uncertain significance for Vici syndrome. Last evaluated: 2022-10-04. Review status: criteria provided, single submitter. Criteria: Invitae Variant Classification Sherloc (09022015). Collection method: clinical testing. Allele origin: germline.
Comment: This sequence change replaces lysine, which is basic and polar, with glutamic acid, which is acidic and polar, at codon 104 of the EPG5 protein (p.Lys104Glu). This variant is present in population databases (rs759089487, gnomAD 0.004%). This variant has not been reported in the literature in individuals affected with EPG5-related conditions. Advanced modeling of protein sequence and biophysical properties (such as structural, functional, and spatial information, amino acid conservation, physicochemical variation, residue mobility, and thermodynamic stability) performed at Invitae indicates that this missense variant is not expected to disrupt EPG5 protein function. In summary, the available evidence is currently insufficient to determine the role of this variant in disease. Therefore, it has been classified as a Variant of Uncertain Significance.

NM_020964.3(EPG5):c.310A>G (p.Lys104Glu)

Gene: EPG5 (ectopic P-granules 5 autophagy tethering factor; minus strand). Cytogenetic location: 18q21.1.
Variant type: single nucleotide variant.
Coding change: c.310A>G on transcript NM_020964.3 (MANE Select); coding-DNA position 310, A replaced by G.
Protein change: p.Lys104Glu; replaces lysine 104 with glutamic acid.
Molecular consequence: missense variant.
Genome position (GRCh38, 1-based): chr18:45,955,092, T>C on the plus strand (A>G on the coding strand, the complement: EPG5 is on the minus strand). VCF-style: chr18-45955092-T-C. GRCh37 (hg19) VCF-style: chr18-43535058-T-C.
Other names: c.310A>G, p.Lys104Glu (NM_001410858.1, NM_001410859.1); c.310A>G (NM_020964.2); short protein forms K104E.
Identifiers: ClinVar variation 2181348 (VCV002181348.4), dbSNP rs759089487, ClinGen allele CA8949974.